The following is an entry in ClinVar:

NM_004360.5(CDH1):c.92G>C (p.Gly31Ala)

Gene: CDH1 (cadherin 1; plus strand). Cytogenetic location: 16q22.1.
Variant type: single nucleotide variant.
Coding change: c.92G>C on transcript NM_004360.5 (MANE Select); coding-DNA position 92, G replaced by C.
Protein change: p.Gly31Ala; replaces glycine 31 with alanine.
Molecular consequence: missense variant. On other transcripts: 5 prime UTR variant (2).
Genome position (GRCh38, 1-based): chr16:68,738,340, G>C. VCF-style: chr16-68738340-G-C. GRCh37 (hg19) VCF-style: chr16-68772243-G-C.
Other names: c.92G>C (LRG_301t1); c.92G>C, p.Gly31Ala (NM_001317184.2); c.-1524G>C (NM_001317185.2); c.-1728G>C (NM_001317186.2); short protein forms G31A.
Identifiers: ClinVar variation 659068 (VCV000659068.9), dbSNP rs1131690823, ClinGen allele CA396451875.

ClinVar aggregate classification (germline): Uncertain significance (1 of 4 stars; one submission).

Conditions:
Hereditary diffuse gastric adenocarcinoma (HDGC). Also called: DIFFUSE GASTRIC AND LOBULAR BREAST CANCER SYNDROME. Identifiers: Orphanet 26106, MedGen C1708349, MONDO:0007648, OMIM 137215.

Submission:

Labcorp Genetics (formerly Invitae), Labcorp
Classification: Uncertain significance for Hereditary diffuse gastric adenocarcinoma. Last evaluated: 2018-12-24. Review status: criteria provided, single submitter. Criteria: Invitae Variant Classification Sherloc (09022015). Collection method: clinical testing. Allele origin: germline.
Comment: This sequence change replaces glycine with alanine at codon 31 of the CDH1 protein (p.Gly31Ala). The glycine residue is highly conserved and there is a small physicochemical difference between glycine and alanine. This variant is not present in population databases (ExAC no frequency). In summary, the available evidence is currently insufficient to determine the role of this variant in disease. Therefore, it has been classified as a Variant of Uncertain Significance. Algorithms developed to predict the effect of missense changes on protein structure and function are either unavailable or do not agree on the potential impact of this missense change (SIFT: "Deleterious"; PolyPhen-2: "Possibly Damaging"; Align-GVGD: "Class C0"). This variant has not been reported in the literature in individuals with CDH1-related conditions.